The following is an entry in ClinVar:

ClinVar aggregate classification (germline): Uncertain significance (1 of 4 stars; one submission).

Submission:

GeneDx
Classification: Uncertain significance. Last evaluated: 2026-03-17. Review status: criteria provided, single submitter. Criteria: GeneDx Variant Classification Process June 2021. Collection method: clinical testing. Allele origin: germline.
Comment: Not observed at significant frequency in large population cohorts (gnomAD); In silico analysis supports that this missense variant has a deleterious effect on protein structure/function; Has not been previously published as pathogenic or benign to our knowledge

NM_003239.5(TGFB3):c.41T>G (p.Leu14Arg)

Gene: TGFB3 (transforming growth factor beta 3; minus strand). Cytogenetic location: 14q24.3.
Variant type: single nucleotide variant.
Coding change: c.41T>G on transcript NM_003239.5 (MANE Select); coding-DNA position 41, T replaced by G.
Protein change: p.Leu14Arg; replaces leucine 14 with arginine.
Molecular consequence: missense variant.
Genome position (GRCh38, 1-based): chr14:75,980,853, A>C on the plus strand (T>G on the coding strand, the complement: TGFB3 is on the minus strand). VCF-style: chr14-75980853-A-C. GRCh37 (hg19) VCF-style: chr14-76447196-A-C.
Other names: c.41T>G, p.Leu14Arg (NM_001329938.2, NM_001329939.2); short protein forms L14R.
Identifiers: ClinVar variation 4976625 (VCV004976625.1).